The following is an entry in ClinVar:

ClinVar aggregate classification (germline): Conflicting classifications of pathogenicity. Review status: criteria provided, conflicting classifications (1 of 4 stars). 2 submissions from 2 submitters: Uncertain significance (1); Likely benign (1). Last evaluated 2026-03-20.

Conditions:
RP1L1-related disorder. Also called: RP1L1-related condition.
Inborn genetic diseases. Identifiers: MedGen C0950123, MeSH D030342.

Allele frequency attached by ClinVar (database versions not stated): gnomAD exomes 0.00003; TOPMed 0.00003; gnomAD 0.00008; ExAC 0.00016; 1000 Genomes Project 0.00100; 1000 Genomes Project 30x 0.00109.

Submissions (2):

PreventionGenetics, part of Exact Sciences
Classification: Likely benign for RP1L1-related condition. Last evaluated: 2026-03-20. Review status: criteria provided, single submitter. Criteria: ACMG Guidelines, 2015. Collection method: clinical testing. Allele origin: germline.
Comment: This variant is classified as likely benign based on ACMG/AMP sequence variant interpretation guidelines (Richards et al. 2015 PMID: 25741868, with internal and published modifications).

Ambry Genetics
Classification: Uncertain significance for Inborn genetic diseases. Last evaluated: 2024-06-16. Review status: criteria provided, single submitter. Criteria: Ambry Variant Classification Scheme 2023. Collection method: clinical testing. Allele origin: germline.

NM_178857.6(RP1L1):c.880C>G (p.Gln294Glu)

Gene: RP1L1 (RP1 like 1). Cytogenetic location: 8p23.1.
Variant type: single nucleotide variant.
Coding change: c.880C>G on transcript NM_178857.6 (MANE Select); coding-DNA position 880, C replaced by G.
Protein change: p.Gln294Glu; replaces glutamine 294 with glutamic acid.
Molecular consequence: missense variant.
Genome position (GRCh38, 1-based): chr8:10,613,218, G>C on the plus strand (C>G on the coding strand, the complement: RP1L1 is on the minus strand). VCF-style: chr8-10613218-G-C. GRCh37 (hg19) VCF-style: chr8-10470728-G-C.
Other names: short protein forms Q294E.
Identifiers: ClinVar variation 2355687 (VCV002355687.4), dbSNP rs575269193, ClinGen allele CA4625405.